The following is an entry in ClinVar:

ClinVar aggregate classification (germline): Pathogenic (1 of 4 stars; one submission).

Submission:

CeGaT Center for Human Genetics Tuebingen
Classification: Pathogenic. Last evaluated: 2022-12-01. Review status: criteria provided, single submitter. Criteria: CeGaT Center For Human Genetics Tuebingen Variant Classification Criteria Version 2. Collection method: clinical testing. Allele origin: germline. Affected: yes. Observed: 1 variant allele.
Comment: BRCA2: PVS1, PM2

NM_000059.4(BRCA2):c.794-12_798del

Gene: BRCA2 (BRCA2 DNA repair associated; plus strand). Cytogenetic location: 13q13.1.
Variant type: Deletion.
Coding change: c.794-12_798del on transcript NM_000059.4 (MANE Select); 12 bases into the intron before coding-DNA position 794 through coding-DNA position 798, 17 bases deleted (ATACTTTAACAGGATTT).
Molecular consequence: splice acceptor variant.
Genome position (GRCh38, 1-based): chr13:32,332,260-32,332,276, ATACTTTAACAGGATTT deleted; deleting any 17 consecutive bases within chr13:32,332,257-32,332,276 gives the same sequence; the c. name uses the placement nearest the transcript's 3' end. VCF-style (leftmost placement, unchanged base first): chr13-32332256-TTTTATACTTTAACAGGA-T. GRCh37 (hg19) VCF-style: chr13-32906393-TTTTATACTTTAACAGGA-T.
Identifiers: ClinVar variation 1879250 (VCV001879250.29), dbSNP rs2548518797, ClinGen allele CA2580087121.
Genomic context (GRCh38, chr13:32,332,256, plus strand): 5'-TGAGAAAGGTTGTGAGAATAATATAAATTATATGGCTTATAAAATATTAATGTGCTTCTG[TTTTATACTTTAACAGGA>T]TTTGGAAAAACATCAGGGAATTCATTTAAAGTAAATAGCTGCAAAGACCACATTGGAAAG-3'